The following is an entry in ClinVar:

NM_001371395.1(USP53):c.183G>C (p.Arg61=)

Gene: USP53 (ubiquitin specific peptidase 53; plus strand). Cytogenetic location: 4q26.
Variant type: single nucleotide variant.
Coding change: c.183G>C on transcript NM_001371395.1 (MANE Select); coding-DNA position 183, G replaced by C.
Protein change: p.Arg61=; no amino-acid change (arginine 61 retained).
Molecular consequence: synonymous variant. On other transcripts: 5 prime UTR variant (6).
Genome position (GRCh38, 1-based): chr4:119,245,375, G>C. VCF-style: chr4-119245375-G-C. GRCh37 (hg19) VCF-style: chr4-120166530-G-C.
Other names: c.183G>C, p.Arg61= (NM_001371396.1, NM_001371397.1, NM_001371398.1 and 6 more transcripts); c.-166G>C (NM_001389662.1, NM_001389663.1, NM_001389664.1 and 3 more transcripts).
Identifiers: ClinVar variation 4977418 (VCV004977418.1).

ClinVar aggregate classification (germline): Likely benign (1 of 4 stars; one submission).

Conditions:
USP53-related disorder. Also called: USP53-related condition.

gnomAD v4.1: 4 of 1,613,660 alleles (0.00025%); highest among the groups gnomAD compares: African/African-American, 0.0027%; no homozygotes.

Submission:

PreventionGenetics, part of Exact Sciences
Classification: Likely benign for USP53-related condition. Last evaluated: 2026-05-28. Review status: criteria provided, single submitter. Criteria: ACMG Guidelines, 2015. Collection method: clinical testing. Allele origin: germline.
Comment: This variant is classified as likely benign based on ACMG/AMP sequence variant interpretation guidelines (Richards et al. 2015 PMID: 25741868, with internal and published modifications).